The following is an entry in ClinVar:

ClinVar aggregate classification (germline): Uncertain significance (1 of 4 stars; one submission).

Allele frequency attached by ClinVar (database versions not stated): gnomAD exomes below 0.00001; ExAC 0.00001; gnomAD 0.00001; 1000 Genomes Project 0.00020; 1000 Genomes Project 30x 0.00031.
gnomAD v4.1: 2 of 1,590,054 alleles (0.00013%); highest among the groups gnomAD compares: African/African-American, 0.0027%; no homozygotes.

Submission:

Labcorp Genetics (formerly Invitae), Labcorp
Classification: Uncertain significance. Last evaluated: 2022-02-04. Review status: criteria provided, single submitter. Criteria: Invitae Variant Classification Sherloc (09022015). Collection method: clinical testing. Allele origin: germline.
Comment: In summary, the available evidence is currently insufficient to determine the role of this variant in disease. Therefore, it has been classified as a Variant of Uncertain Significance. Algorithms developed to predict the effect of missense changes on protein structure and function (SIFT, PolyPhen-2, Align-GVGD) all suggest that this variant is likely to be tolerated. This variant has not been reported in the literature in individuals affected with IFT74-related conditions. This variant is not present in population databases (gnomAD no frequency). This sequence change replaces glutamine, which is neutral and polar, with lysine, which is basic and polar, at codon 440 of the IFT74 protein (p.Gln440Lys).

NM_025103.4(IFT74):c.1318C>A (p.Gln440Lys)

Gene: IFT74 (intraflagellar transport 74; plus strand). Cytogenetic location: 9p21.2.
Variant type: single nucleotide variant.
Coding change: c.1318C>A on transcript NM_025103.4 (MANE Select); coding-DNA position 1318, C replaced by A.
Protein change: p.Gln440Lys; replaces glutamine 440 with lysine.
Molecular consequence: missense variant.
Genome position (GRCh38, 1-based): chr9:27,048,259, C>A. VCF-style: chr9-27048259-C-A. GRCh37 (hg19) VCF-style: chr9-27048257-C-A.
Other names: c.1318C>A, p.Gln440Lys (NM_001099222.3, NM_001099223.3, NM_001349928.2); short protein forms Q440K.
Identifiers: ClinVar variation 1465109 (VCV001465109.6), dbSNP rs533839288, ClinGen allele CA5015626.